The following is an entry in ClinVar:

NM_032043.3(BRIP1):c.1842T>C (p.Ser614=)

Gene: BRIP1 (BRCA1 interacting DNA helicase 1; minus strand). Cytogenetic location: 17q23.2.
Variant type: single nucleotide variant.
Coding change: c.1842T>C on transcript NM_032043.3 (MANE Select); coding-DNA position 1842, T replaced by C.
Protein change: p.Ser614=; no amino-acid change (serine 614 retained).
Molecular consequence: synonymous variant.
Genome position (GRCh38, 1-based): chr17:61,780,354, A>G on the plus strand (T>C on the coding strand, the complement: BRIP1 is on the minus strand). VCF-style: chr17-61780354-A-G. GRCh37 (hg19) VCF-style: chr17-59857715-A-G.
Identifiers: ClinVar variation 1781188 (VCV001781188.3), dbSNP rs2145079433, ClinGen allele CA501150404.

ClinVar aggregate classification (germline): Benign/Likely benign. Review status: criteria provided, multiple submitters, no conflicts (2 of 4 stars). 2 submissions from 2 submitters: Benign (1); Likely benign (1). Last evaluated 2024-08-30.

Conditions:
Hereditary cancer-predisposing syndrome. Also called: Neoplastic Syndromes, Hereditary; Tumor predisposition; Hereditary Cancer Syndrome; Hereditary neoplastic syndrome. Identifiers: Orphanet 140162, MedGen C0027672, MeSH D009386, MONDO:0015356.
Familial cancer of breast. Also called: BREAST CANCER, FAMILIAL; Hereditary breast cancer; hereditary breast carcinoma. Identifiers: Orphanet 227535, MedGen C0346153, MONDO:0016419, OMIM 114480. Disease mechanism: loss of function.

Submissions (2):

Myriad Genetics, Inc.
Classification: Benign for Familial cancer of breast. Last evaluated: 2024-08-30. Review status: criteria provided, single submitter. Criteria: Myriad Autosomal Dominant, Autosomal Recessive and X-Linked Classification Criteria (2023). Collection method: clinical testing. Allele origin: unknown.
Comment: This variant is considered benign. This variant is a silent/synonymous amino acid change and it is not expected to impact splicing.

Ambry Genetics
Classification: Likely benign for Hereditary cancer-predisposing syndrome. Last evaluated: 2021-09-30. Review status: criteria provided, single submitter. Criteria: Ambry Variant Classification Scheme 2023. Collection method: clinical testing. Allele origin: germline.